The following is an entry in ClinVar:

NM_000038.6(APC):c.4141C>T (p.Pro1381Ser)

Gene: APC (APC regulator of Wnt signaling pathway; plus strand). Cytogenetic location: 5q22.2.
Variant type: single nucleotide variant.
Coding change: c.4141C>T on transcript NM_000038.6 (MANE Select); coding-DNA position 4141, C replaced by T.
Protein change: p.Pro1381Ser; replaces proline 1381 with serine.
Molecular consequence: missense variant.
Genome position (GRCh38, 1-based): chr5:112,839,735, C>T. VCF-style: chr5-112839735-C-T. GRCh37 (hg19) VCF-style: chr5-112175432-C-T.
Other names: c.4141C>T, p.Pro1381Ser (NM_001127510.3, NM_001354895.2); c.4087C>T, p.Pro1363Ser (NM_001127511.3); c.4195C>T, p.Pro1399Ser (NM_001354896.2); c.4171C>T, p.Pro1391Ser (NM_001354897.2); c.4066C>T, p.Pro1356Ser (NM_001354898.2); c.4057C>T, p.Pro1353Ser (NM_001354899.2); c.4018C>T, p.Pro1340Ser (NM_001354900.2); c.3964C>T, p.Pro1322Ser (NM_001354901.2); and 5 more; short protein forms P1098S, P1221S, P1255S, P1280S, P1290S, P1322S, P1340S, P1353S.
Identifiers: ClinVar variation 1019943 (VCV001019943.12), dbSNP rs730881250, ClinGen allele CA16030402.

ClinVar aggregate classification (germline): Uncertain significance. Review status: criteria provided, multiple submitters, no conflicts (2 of 4 stars). 2 submissions from 2 submitters: Uncertain significance (2). Last evaluated 2026-01-18.

Conditions:
Hereditary cancer-predisposing syndrome. Also called: Tumor predisposition; Neoplastic Syndromes, Hereditary; Hereditary neoplastic syndrome; Hereditary Cancer Syndrome. Identifiers: Orphanet 140162, MedGen C0027672, MeSH D009386, MONDO:0015356.
Familial adenomatous polyposis 1 (FAP1). Also called: POLYPOSIS, ADENOMATOUS INTESTINAL; FAMILIAL ADENOMATOUS POLYPOSIS 1, ATTENUATED. Identifiers: MedGen C2713442, MONDO:0021056, OMIM 175100. Disease mechanism: loss of function.

Submissions (2):

Labcorp Genetics (formerly Invitae), Labcorp
Classification: Uncertain significance for Familial adenomatous polyposis 1. Last evaluated: 2026-01-18. Review status: criteria provided, single submitter. Criteria: Invitae Variant Classification Sherloc (09022015). Collection method: clinical testing. Allele origin: germline.
Comment: This sequence change replaces proline, which is neutral and non-polar, with serine, which is neutral and polar, at codon 1381 of the APC protein (p.Pro1381Ser). This variant is not present in population databases (gnomAD no frequency). This variant has not been reported in the literature in individuals affected with APC-related conditions. ClinVar contains an entry for this variant (Variation ID: 1019943). Invitae Evidence Modeling of protein sequence and biophysical properties (such as structural, functional, and spatial information, amino acid conservation, physicochemical variation, residue mobility, and thermodynamic stability) has been performed for this missense variant. However, the output from this modeling did not meet the statistical confidence thresholds required to predict the impact of this variant on APC protein function. In summary, the available evidence is currently insufficient to determine the role of this variant in disease. Therefore, it has been classified as a Variant of Uncertain Significance.

Ambry Genetics
Classification: Uncertain significance for Hereditary cancer-predisposing syndrome. Last evaluated: 2020-06-04. Review status: criteria provided, single submitter. Criteria: Ambry Variant Classification Scheme 2023. Collection method: clinical testing. Allele origin: germline.
Comment: The p.P1381S variant (also known as c.4141C>T), located in coding exon 15 of the APC gene, results from a C to T substitution at nucleotide position 4141. The proline at codon 1381 is replaced by serine, an amino acid with similar properties. This amino acid position is highly conserved in available vertebrate species. In addition, in silico predictors for this gene do not accurately predict pathogenicity. Since supporting evidence is limited at this time, the clinical significance of this alteration remains unclear.